The following is an entry in ClinVar:

NM_001267550.2(TTN):c.91937A>G (p.Asn30646Ser)

Genes: TTN (titin; minus strand), TTN-AS1 (TTN antisense RNA 1; plus strand). Cytogenetic location: 2q31.2.
Variant type: single nucleotide variant.
Coding change: c.91937A>G on transcript NM_001267550.2 (MANE Select); coding-DNA position 91937, A replaced by G.
Protein change: p.Asn30646Ser; replaces asparagine 30646 with serine.
Molecular consequence: missense variant.
Genome position (GRCh38, 1-based): chr2:178,549,785, T>C on the plus strand (A>G on the coding strand, the complement: TTN is on the minus strand). VCF-style: chr2-178549785-T-C. GRCh37 (hg19) VCF-style: chr2-179414512-T-C.
Other names: p.N29005S:AAT>AGT; c.87014A>G, p.Asn29005Ser (NM_001256850.1); c.84233A>G, p.Asn28078Ser (NM_133378.4); c.64742A>G, p.Asn21581Ser (NM_003319.4); c.65117A>G, p.Asn21706Ser (NM_133432.3); c.65318A>G, p.Asn21773Ser (NM_133437.4); short protein forms N30646S, N28078S, N29005S, N21581S, N21706S, N21773S.
Identifiers: ClinVar variation 47517 (VCV000047517.35), dbSNP rs72648245, ClinGen allele CA141241.

ClinVar aggregate classification (germline): Benign/Likely benign. Review status: criteria provided, multiple submitters, no conflicts (2 of 4 stars). 18 submissions from 15 submitters: Benign (8); Likely benign (7). 3 of the submissions do not count toward it. Last evaluated 2026-02-03.

Conditions:
Cardiovascular phenotype. Identifiers: MedGen CN230736.
TTN-related disorder. Also called: TTN-related condition; TTN-related disease; TTN-related disorders.
Autosomal recessive limb-girdle muscular dystrophy type 2J (LGMDR10). Also called: Limb-girdle muscular dystrophy, type 2J; MUSCULAR DYSTROPHY, LIMB-GIRDLE, AUTOSOMAL RECESSIVE 10. Identifiers: Orphanet 140922, MedGen C1837342, MONDO:0012127, OMIM 608807.
Dilated cardiomyopathy 1G (CMD1G). Identifiers: Orphanet 154, MedGen C1858763, MONDO:0011400, OMIM 604145.
Cardiomyopathy (CMYO). Also called: Cardiomyopathies. Identifiers: Orphanet 167848, MedGen C0878544, MONDO:0004994, HP:0001638. Inheritance: Various modes of inheritance.
Early-onset myopathy with fatal cardiomyopathy (CMYO5). Also called: Salih Myopathy; CONGENITAL MYOPATHY 5 WITH CARDIOMYOPATHY. Identifiers: Orphanet 289377, MedGen C2673677, MONDO:0012714, OMIM 611705. Disease mechanism: loss of function.
Myopathy, myofibrillar, 9, with early respiratory failure (MFM9). Also called: Hereditary myopathy with early respiratory failure; EDSTROM MYOPATHY; MYOPATHY, PROXIMAL, WITH EARLY RESPIRATORY MUSCLE INVOLVEMENT; Myopathy, distal, with early respiratory failure, autosomal dominant. Identifiers: Orphanet 178464, Orphanet 34521, MedGen C1863599, MONDO:0011362, OMIM 603689.
Tibial muscular dystrophy (TMD). Also called: UDD MYOPATHY; Udd Distal Myopathy – Tibial Muscular Dystrophy; Tibial muscular dystrophy, tardive. Identifiers: Orphanet 609, MedGen C1838244, MONDO:0010870, OMIM 600334.

Allele frequency attached by ClinVar (database versions not stated): gnomAD exomes 0.00057; ExAC 0.00066; 1000 Genomes Project 0.00120; 1000 Genomes Project 30x 0.00125; gnomAD 0.00186 and 0.00203; ESP Exome Variant Server 0.00209; TOPMed 0.00243.
gnomAD v4.1: 664 of 1,612,010 alleles (0.041%); highest among the groups gnomAD compares: African/African-American, 0.62%; 1 homozygote.

Submissions (18):

Labcorp Genetics (formerly Invitae), Labcorp
Classification: Benign for Dilated cardiomyopathy 1G; Autosomal recessive limb-girdle muscular dystrophy type 2J. Last evaluated: 2026-02-03. Review status: criteria provided, single submitter. Criteria: Invitae Variant Classification Sherloc (09022015). Collection method: clinical testing. Allele origin: germline.

Molecular Diagnostic Laboratory for Inherited Cardiovascular Disease, Montreal Heart Institute
Classification: Likely benign. Last evaluated: 2025-04-09. Review status: criteria provided, single submitter. Criteria: ACMG Guidelines, 2015. Collection method: clinical testing. Allele origin: germline. Affected: no.

Mayo Clinic Laboratories, Mayo Clinic
Classification: Likely benign. Last evaluated: 2025-02-03. Review status: criteria provided, single submitter. Criteria: ACMG Guidelines, 2015. Collection method: clinical testing. Allele origin: germline. Observed: 5 variant alleles.
Comment: BS1

Blueprint Genetics
Classification: Likely benign. Last evaluated: 2024-02-12. Review status: criteria provided, single submitter. Criteria: ACMG Guidelines, 2015. Collection method: clinical testing. Allele origin: germline.

Women's Health and Genetics/Laboratory Corporation of America, LabCorp
Classification: Likely benign. Last evaluated: 2023-08-19. Review status: criteria provided, single submitter. Criteria: LabCorp Variant Classification Summary - May 2015. Collection method: clinical testing. Allele origin: germline.

Genome-Nilou Lab
Classification: Benign for Autosomal recessive limb-girdle muscular dystrophy type 2J. Last evaluated: 2021-09-10. Review status: criteria provided, single submitter. Criteria: ACMG Guidelines, 2015. Collection method: clinical testing. Allele origin: germline. Affected: no.

Genome-Nilou Lab
Classification: Benign for Myopathy, myofibrillar, 9, with early respiratory failure. Last evaluated: 2021-09-10. Review status: criteria provided, single submitter. Criteria: ACMG Guidelines, 2015. Collection method: clinical testing. Allele origin: germline. Affected: no.

Genome-Nilou Lab
Classification: Benign for Early-onset myopathy with fatal cardiomyopathy. Last evaluated: 2021-09-10. Review status: criteria provided, single submitter. Criteria: ACMG Guidelines, 2015. Collection method: clinical testing. Allele origin: germline. Affected: no.

Genome-Nilou Lab
Classification: Benign for Tibial muscular dystrophy. Last evaluated: 2021-09-10. Review status: criteria provided, single submitter. Criteria: ACMG Guidelines, 2015. Collection method: clinical testing. Allele origin: germline. Affected: no.

GeneDx
Classification: Benign. Last evaluated: 2020-05-22. Review status: criteria provided, single submitter. Criteria: GeneDx Variant Classification Process June 2021. Collection method: clinical testing. Allele origin: germline. Affected: yes.

Laboratory for Molecular Medicine, Mass General Brigham Personalized Medicine
Classification: Benign. Last evaluated: 2017-11-22. Review status: criteria provided, single submitter. Criteria: LMM Criteria. Collection method: clinical testing. Allele origin: germline. Observed: 4 variant alleles.
Comment: p.Asn28078Ser in exon 287 of TTN: This variant is not expected to have clinical significance because it has been identified in 0.6% (153/24006) of African chrom osomes by the Genome Aggregation Database (gnomAD. org; dbSNP rs72648245). BA1

Athena Diagnostics
Classification: Likely benign. Last evaluated: 2017-10-25. Review status: criteria provided, single submitter. Criteria: Athena Diagnostics Criteria. Collection method: clinical testing. Allele origin: germline.

CHEO Genetics Diagnostic Laboratory, Children's Hospital of Eastern Ontario
Classification: Benign for Cardiomyopathy. Last evaluated: 2016-08-30. Review status: criteria provided, single submitter. Criteria: ACMG Guidelines, 2015. Collection method: clinical testing. Allele origin: germline. Study: Canadian Open Genetics Repository.

Eurofins Ntd Llc (ga)
Classification: Likely benign. Last evaluated: 2014-09-03. Review status: criteria provided, single submitter. Criteria: EGL Classification Definitions 2015. Collection method: clinical testing. Allele origin: germline. Observed: 1 variant allele, 1 heterozygote.

Ambry Genetics
Classification: Likely benign for Cardiovascular phenotype. Last evaluated: 2013-07-15. Review status: criteria provided, single submitter. Criteria: Ambry Autosomal Dominant and X-Linked criteria (10/2015). Collection method: clinical testing. Allele origin: germline. Observed: 1 variant allele.

PreventionGenetics, part of Exact Sciences
Classification: Likely benign for TTN-related condition. Last evaluated: 2019-12-04. Review status: no assertion criteria provided. Collection method: clinical testing. Allele origin: germline. Not counted in ClinVar's aggregate classification.
Comment: This variant is classified as likely benign based on ACMG/AMP sequence variant interpretation guidelines (Richards et al. 2015 PMID: 25741868, with internal and published modifications).

Clinical Genetics DNA and cytogenetics Diagnostics Lab, Erasmus MC, Erasmus Medical Center
Classification: Likely benign. Review status: no assertion criteria provided. Collection method: clinical testing. Allele origin: germline. Affected: yes. Study: VKGL Data-share Consensus. Not counted in ClinVar's aggregate classification.

Genome Diagnostics Laboratory, University Medical Center Utrecht
Classification: Likely benign. Review status: no assertion criteria provided. Collection method: clinical testing. Allele origin: germline. Affected: yes. Study: VKGL Data-share Consensus. Not counted in ClinVar's aggregate classification.